The following is an entry in ClinVar:

NM_000026.4(ADSL):c.257A>G (p.His86Arg)

Gene: ADSL (adenylosuccinate lyase; plus strand). Cytogenetic location: 22q13.1.
Variant type: single nucleotide variant.
Coding change: c.257A>G on transcript NM_000026.4 (MANE Select); coding-DNA position 257, A replaced by G.
Protein change: p.His86Arg; replaces histidine 86 with arginine.
Molecular consequence: missense variant. On other transcripts: non-coding transcript variant (1).
Genome position (GRCh38, 1-based): chr22:40,349,935, A>G. VCF-style: chr22-40349935-A-G. GRCh37 (hg19) VCF-style: chr22-40745939-A-G.
Other names: c.257A>G, p.His86Arg (NM_001123378.3, NM_001363840.3); c.65A>G, p.His22Arg (NM_001317923.2); short protein forms H22R, H86R.
Identifiers: ClinVar variation 952777 (VCV000952777.9), dbSNP rs2044280567, ClinGen allele CA411634797.

ClinVar aggregate classification (germline): Uncertain significance (1 of 4 stars; one submission).

Conditions:
Adenylosuccinate lyase deficiency (ADSLD). Also called: ADSL DEFICIENCY. Identifiers: Orphanet 46, MedGen C0268126, MONDO:0007068, OMIM 103050.

Allele frequency attached by ClinVar (database versions not stated): gnomAD exomes below 0.00001.
gnomAD v4.1: 4 of 1,614,200 alleles (0.00025%); highest among the groups gnomAD compares: East Asian, 0.0022%; no homozygotes.

Submission:

Labcorp Genetics (formerly Invitae), Labcorp
Classification: Uncertain significance for Adenylosuccinate lyase deficiency. Last evaluated: 2022-11-08. Review status: criteria provided, single submitter. Criteria: Invitae Variant Classification Sherloc (09022015). Collection method: clinical testing. Allele origin: germline.
Comment: In summary, the available evidence is currently insufficient to determine the role of this variant in disease. Therefore, it has been classified as a Variant of Uncertain Significance. Advanced modeling of protein sequence and biophysical properties (such as structural, functional, and spatial information, amino acid conservation, physicochemical variation, residue mobility, and thermodynamic stability) performed at Invitae indicates that this missense variant is expected to disrupt ADSL protein function. ClinVar contains an entry for this variant (Variation ID: 952777). This variant has not been reported in the literature in individuals affected with ADSL-related conditions. This variant is not present in population databases (gnomAD no frequency). This sequence change replaces histidine, which is basic and polar, with arginine, which is basic and polar, at codon 86 of the ADSL protein (p.His86Arg).